The following is an entry in ClinVar:

NM_005343.4(HRAS):c.486G>C (p.Glu162Asp)

Genes: HRAS (HRas proto-oncogene, GTPase; minus strand), LRRC56 (leucine rich repeat containing 56; plus strand). Cytogenetic location: 11p15.5.
Variant type: single nucleotide variant.
Coding change: c.486G>C on transcript NM_005343.4 (MANE Select); coding-DNA position 486, G replaced by C.
Protein change: p.Glu162Asp; replaces glutamic acid 162 with aspartic acid.
Molecular consequence: missense variant. On other transcripts: 3 prime UTR variant (1).
Genome position (GRCh38, 1-based): chr11:532,720, C>G on the plus strand (G>C on the coding strand, the complement: HRAS is on the minus strand). VCF-style: chr11-532720-C-G. GRCh37 (hg19) VCF-style: chr11-532720-C-G.
Other names: c.486G>C, p.Glu162Asp (NM_001130442.3); c.249G>C, p.Glu83Asp (NM_001318054.2); c.*55G>C (NM_176795.5); short protein forms E162D, E83D.
Identifiers: ClinVar variation 2098197 (VCV002098197.4), dbSNP rs2539784421, ClinGen allele CA378921160.

ClinVar aggregate classification (germline): Uncertain significance (1 of 4 stars; one submission).

Conditions:
Costello syndrome (CSTLO). Also called: HRAS-Related Costello Syndrome; FACIOCUTANEOSKELETAL SYNDROME; FCS SYNDROME. Identifiers: Orphanet 3071, MedGen C0587248, MONDO:0009026, OMIM 218040.

Submission:

Labcorp Genetics (formerly Invitae), Labcorp
Classification: Uncertain significance for Costello syndrome. Last evaluated: 2022-02-18. Review status: criteria provided, single submitter. Criteria: Invitae Variant Classification Sherloc (09022015). Collection method: clinical testing. Allele origin: germline.
Comment: This variant has not been reported in the literature in individuals affected with HRAS-related conditions. In summary, the available evidence is currently insufficient to determine the role of this variant in disease. Therefore, it has been classified as a Variant of Uncertain Significance. Advanced modeling of protein sequence and biophysical properties (such as structural, functional, and spatial information, amino acid conservation, physicochemical variation, residue mobility, and thermodynamic stability) performed at Invitae indicates that this missense variant is not expected to disrupt HRAS protein function. This variant is not present in population databases (gnomAD no frequency). This sequence change replaces glutamic acid, which is acidic and polar, with aspartic acid, which is acidic and polar, at codon 162 of the HRAS protein (p.Glu162Asp).